The following is an entry in ClinVar:

NM_176869.3(PPA2):c.993C>G (p.Phe331Leu)

Gene: PPA2 (inorganic pyrophosphatase 2; minus strand). Cytogenetic location: 4q24.
Variant type: single nucleotide variant.
Coding change: c.993C>G on transcript NM_176869.3 (MANE Select); coding-DNA position 993, C replaced by G.
Protein change: p.Phe331Leu; replaces phenylalanine 331 with leucine.
Molecular consequence: missense variant.
Genome position (GRCh38, 1-based): chr4:105,369,737, G>C on the plus strand (C>G on the coding strand, the complement: PPA2 is on the minus strand). VCF-style: chr4-105369737-G-C. GRCh37 (hg19) VCF-style: chr4-106290894-G-C.
Other names: c.906C>G, p.Phe302Leu (NM_006903.4); c.687C>G, p.Phe229Leu (NM_176866.2); c.495C>G, p.Phe165Leu (NM_176867.3); short protein forms F229L, F302L, F331L, F165L.
Identifiers: ClinVar variation 1994275 (VCV001994275.4), dbSNP rs939247653, ClinGen allele CA102760108.

ClinVar aggregate classification (germline): Uncertain significance (1 of 4 stars; one submission).

Allele frequency attached by ClinVar (database versions not stated): gnomAD 0.00001.
gnomAD v4.1: 1 of 1,592,362 alleles (0.000063%); highest among the groups gnomAD compares: Admixed American, 0.0017%; no homozygotes.

Submission:

Labcorp Genetics (formerly Invitae), Labcorp
Classification: Uncertain significance. Last evaluated: 2022-05-14. Review status: criteria provided, single submitter. Criteria: Invitae Variant Classification Sherloc (09022015). Collection method: clinical testing. Allele origin: germline.
Comment: This sequence change replaces phenylalanine, which is neutral and non-polar, with leucine, which is neutral and non-polar, at codon 331 of the PPA2 protein (p.Phe331Leu). This variant is not present in population databases (gnomAD no frequency). This variant has not been reported in the literature in individuals affected with PPA2-related conditions. Algorithms developed to predict the effect of missense changes on protein structure and function are either unavailable or do not agree on the potential impact of this missense change (SIFT: "Tolerated"; PolyPhen-2: "Probably Damaging"; Align-GVGD: "Class C0"). In summary, the available evidence is currently insufficient to determine the role of this variant in disease. Therefore, it has been classified as a Variant of Uncertain Significance.